The following is an entry in ClinVar:

NM_000245.4(MET):c.826A>T (p.Thr276Ser)

Gene: MET (MET proto-oncogene, receptor tyrosine kinase; plus strand). Cytogenetic location: 7q31.2.
Variant type: single nucleotide variant.
Coding change: c.826A>T on transcript NM_000245.4 (MANE Select); coding-DNA position 826, A replaced by T.
Protein change: p.Thr276Ser; replaces threonine 276 with serine.
Molecular consequence: missense variant. On other transcripts: intron variant (1).
Genome position (GRCh38, 1-based): chr7:116,699,910, A>T. VCF-style: chr7-116699910-A-T. GRCh37 (hg19) VCF-style: chr7-116339964-A-T.
Other names: c.826A>T, p.Thr276Ser (NM_001127500.3, NM_001324401.3); c.-91+27333A>T (NM_001324402.2); short protein forms T276S.
Identifiers: ClinVar variation 1003863 (VCV001003863.9), dbSNP rs769128478, ClinGen allele CA368969935.

ClinVar aggregate classification (germline): Uncertain significance (1 of 4 stars; one submission).

Conditions:
Renal cell carcinoma. Identifiers: Orphanet 217071, MedGen C0007134, MeSH D002292, MONDO:0005086, HP:0005584.

Submission:

Labcorp Genetics (formerly Invitae), Labcorp
Classification: Uncertain significance for Renal cell carcinoma. Last evaluated: 2020-07-07. Review status: criteria provided, single submitter. Criteria: Invitae Variant Classification Sherloc (09022015). Collection method: clinical testing. Allele origin: germline.
Comment: This variant has not been reported in the literature in individuals with MET-related conditions. This variant is not present in population databases (ExAC no frequency). This sequence change replaces threonine with serine at codon 276 of the MET protein (p.Thr276Ser). The threonine residue is highly conserved and there is a small physicochemical difference between threonine and serine. In summary, the available evidence is currently insufficient to determine the role of this variant in disease. Therefore, it has been classified as a Variant of Uncertain Significance. Algorithms developed to predict the effect of missense changes on protein structure and function are either unavailable or do not agree on the potential impact of this missense change (SIFT: "Deleterious"; PolyPhen-2: "Probably Damaging"; Align-GVGD: "Class C0").